The following is an entry in ClinVar:

ClinVar aggregate classification (germline): Uncertain significance (1 of 4 stars; one submission).

Conditions:
Inborn genetic diseases. Identifiers: MedGen C0950123, MeSH D030342.

Submission:

Ambry Genetics
Classification: Uncertain significance for Inborn genetic diseases. Last evaluated: 2025-08-03. Review status: criteria provided, single submitter. Criteria: Ambry Variant Classification Scheme 2023. Collection method: clinical testing. Allele origin: germline.
Comment: The p.F211L variant (also known as c.633C>A), located in coding exon 7 of the FANCA gene, results from a C to A substitution at nucleotide position 633. The phenylalanine at codon 211 is replaced by leucine, an amino acid with highly similar properties. This amino acid position is conserved. In addition, this alteration is predicted to be tolerated by in silico analysis. Based on the available evidence, the clinical significance of this variant remains unclear.

NM_000135.4(FANCA):c.633C>A (p.Phe211Leu)

Gene: FANCA (FA complementation group A; minus strand). Cytogenetic location: 16q24.3.
Variant type: single nucleotide variant.
Coding change: c.633C>A on transcript NM_000135.4 (MANE Select); coding-DNA position 633, C replaced by A.
Protein change: p.Phe211Leu; replaces phenylalanine 211 with leucine.
Molecular consequence: missense variant.
Genome position (GRCh38, 1-based): chr16:89,805,356, G>T on the plus strand (C>A on the coding strand, the complement: FANCA is on the minus strand). VCF-style: chr16-89805356-G-T. GRCh37 (hg19) VCF-style: chr16-89871764-G-T.
Other names: c.633C>A, p.Phe211Leu (NM_001018112.3, NM_001286167.3); c.537C>A, p.Phe179Leu (NM_001351830.2); short protein forms F179L, F211L.
Identifiers: ClinVar variation 4254257 (VCV004254257.1).
Genomic context (GRCh38, chr16:89,805,356, plus strand): 5'-GGCGACGTCAGCATGCTGGCAGGATGCTTCCATCTGTTCACAAAGGCAGCACAGATTCCT[G>T]AAGAGCCACGATCCCACAGCATGCATGTCGGGATGGCTGGAGACACACACAGAGGCAGAC-3'
Protein context (NP_000126.2, residues 201-221): PDMHAVGSWL[Phe211Leu]RNLCCLCEQM